The following is an entry in ClinVar:

NM_005732.4(RAD50):c.2467C>T (p.Arg823Ter)

Gene: RAD50 (RAD50 double strand break repair protein; plus strand). Cytogenetic location: 5q31.1.
Variant type: single nucleotide variant.
Coding change: c.2467C>T on transcript NM_005732.4 (MANE Select); coding-DNA position 2467, C replaced by T.
Protein change: p.Arg823Ter; replaces arginine 823 with a stop codon.
Molecular consequence: nonsense.
Genome position (GRCh38, 1-based): chr5:132,603,989, C>T. VCF-style: chr5-132603989-C-T. GRCh37 (hg19) VCF-style: chr5-131939681-C-T.
Other names: short protein forms R823*.
Identifiers: ClinVar variation 408347 (VCV000408347.18), dbSNP rs1060501936, ClinGen allele CA16611777.

ClinVar aggregate classification (germline): Pathogenic/Likely pathogenic. Review status: criteria provided, multiple submitters, no conflicts (2 of 4 stars). 5 submissions from 5 submitters: Pathogenic (3); Likely pathogenic (2). Last evaluated 2025-10-19.

Conditions:
Hereditary cancer-predisposing syndrome. Also called: Hereditary Cancer Syndrome; Hereditary neoplastic syndrome; Neoplastic Syndromes, Hereditary; Tumor predisposition. Identifiers: Orphanet 140162, MedGen C0027672, MeSH D009386, MONDO:0015356.
Nijmegen breakage syndrome-like disorder (NBSLD). Also called: MICROCEPHALY AND SPONTANEOUS CHROMOSOME INSTABILITY WITHOUT IMMUNODEFICIENCY; NBS-LIKE DISORDER; RAD50 DEFICIENCY. Identifiers: Orphanet 240760, MedGen C2751318, MONDO:0013118, OMIM 613078.

Allele frequency attached by ClinVar (database versions not stated): TOPMed 0.00002.
gnomAD v4.1: 11 of 1,613,310 alleles (0.00068%); highest among the groups gnomAD compares: Non-Finnish European, 0.00076%; no homozygotes.

Submissions (5):

Labcorp Genetics (formerly Invitae), Labcorp
Classification: Pathogenic for Hereditary cancer-predisposing syndrome. Last evaluated: 2025-10-19. Review status: criteria provided, single submitter. Criteria: Invitae Variant Classification Sherloc (09022015). Collection method: clinical testing. Allele origin: germline.
Comment: This sequence change creates a premature translational stop signal (p.Arg823*) in the RAD50 gene. It is expected to result in an absent or disrupted protein product. Loss-of-function variants in RAD50 are known to be pathogenic (PMID: 19409520). This variant is not present in population databases (gnomAD no frequency). This variant has not been reported in the literature in individuals affected with RAD50-related conditions. ClinVar contains an entry for this variant (Variation ID: 408347). For these reasons, this variant has been classified as Pathogenic.

Quest Diagnostics Nichols Institute San Juan Capistrano
Classification: Likely pathogenic. Last evaluated: 2024-05-24. Review status: criteria provided, single submitter. Criteria: Quest Diagnostics criteria. Collection method: clinical testing. Allele origin: unknown.
Comment: The RAD50 c.2467C>T (p.Arg823*) variant is predicted to cause the premature termination of RAD50 protein synthesis. This variant has been reported in the published literature in reportedly healthy individuals in a large breast cancer association study (PMID: 33471991 (2021), see also LOVD). This variant has not been reported in large, multi-ethnic general populations (Genome Aggregation Database). Based on the available information, this variant is classified as likely pathogenic.

Ambry Genetics
Classification: Pathogenic for Hereditary cancer-predisposing syndrome. Last evaluated: 2024-04-09. Review status: criteria provided, single submitter. Criteria: Ambry Variant Classification Scheme 2023. Collection method: clinical testing. Allele origin: germline.
Comment: The p.R823* pathogenic mutation (also known as c.2467C>T), located in coding exon 15 of the RAD50 gene, results from a C to T substitution at nucleotide position 2467. This changes the amino acid from an arginine to a stop codon within coding exon 15. This alteration is expected to result in loss of function by premature protein truncation or nonsense-mediated mRNA decay. As such, this alteration is interpreted as a disease-causing mutation.

Baylor Genetics
Classification: Likely pathogenic for Nijmegen breakage syndrome-like disorder. Last evaluated: 2023-05-03. Review status: criteria provided, single submitter. Criteria: ACMG Guidelines, 2015. Collection method: clinical testing. Allele origin: unknown.

Revvity Omics, Revvity
Classification: Pathogenic for Nijmegen breakage syndrome-like disorder. Last evaluated: 2019-01-17. Review status: criteria provided, single submitter. Criteria: ACMG Guidelines, 2015. Collection method: clinical testing. Allele origin: germline.

Literature cited by the submitters: PubMed 19409520 (cited by Labcorp Genetics (formerly Invitae), Labcorp); PubMed 33471991 (cited by Quest Diagnostics Nichols Institute San Juan Capistrano).